The following is an entry in ClinVar:

NM_000489.6(ATRX):c.2657A>G (p.Glu886Gly)

Gene: ATRX (ATRX chromatin remodeler; minus strand). Cytogenetic location: Xq21.1.
Variant type: single nucleotide variant.
Coding change: c.2657A>G on transcript NM_000489.6 (MANE Select); coding-DNA position 2657, A replaced by G.
Protein change: p.Glu886Gly; replaces glutamic acid 886 with glycine.
Molecular consequence: missense variant.
Genome position (GRCh38, 1-based): chrX:77,682,599, T>C on the plus strand (A>G on the coding strand, the complement: ATRX is on the minus strand). VCF-style: chrX-77682599-T-C. GRCh37 (hg19) VCF-style: chrX-76938091-T-C.
Other names: c.2543A>G, p.Glu848Gly (NM_138270.5); short protein forms E886G, E848G.
Identifiers: ClinVar variation 836374 (VCV000836374.12), dbSNP rs2071282891, ClinGen allele CA413711110.
Genomic context (GRCh38, chrX:77,682,599, plus strand): 5'-TCTCTTAATTCCATGATGGTCGTGTCTTTATCAACTGTGCCTTCTGCTGAAGAGAAAGTC[T>C]CTCTCTCTTGTTTTCTTTCAGCATCATCAGATGATCCTTCTTGTGAGGTCTTCAAATTTT-3'
Protein context (NP_000480.3, residues 876-896): SDDAERKQER[Glu886Gly]TFSSAEGTVD

ClinVar aggregate classification (germline): Uncertain significance. Review status: criteria provided, multiple submitters, no conflicts (2 of 4 stars). 2 submissions from 2 submitters: Uncertain significance (2). Last evaluated 2026-04-24.

Conditions:
Alpha thalassemia-X-linked intellectual disability syndrome (ATRX). Also called: ATR-X syndrome; Alpha thalassemia mental retardation syndrome, nondeletion type, X-linked; XLMR hypotonic face syndrome; ALPHA-THALASSEMIA/IMPAIRED INTELLECTUAL DEVELOPMENT SYNDROME, X-LINKED; ALPHA-THALASSEMIA/MENTAL RETARDATION SYNDROME, X-LINKED; ATR, NONDELETION TYPE. Identifiers: Orphanet 847, MedGen C1845055, MONDO:0010519, OMIM 301040.

Allele frequency attached by ClinVar (database versions not stated): gnomAD exomes below 0.00001.
gnomAD v4.1: 1 of 1,210,133 alleles (0.000083%); highest among the groups gnomAD compares: Non-Finnish European, 0.00011%; no homozygotes.

Submissions (2):

Dasa
Classification: Uncertain significance. Last evaluated: 2026-04-24. Review status: criteria provided, single submitter. Criteria: DASA Assertion Criteria. Collection method: clinical testing. Allele origin: germline.
Comment: NM_000489.6(ATRX):c.2657A>G (p.Glu886Gly) is a missense variant that results in the substitution of glutamic acid with glycine. This variant is rare in population databases. The currently available literature and clinical evidence are not sufficient to establish a definitive association between this variant and the reported condition. Therefore, this variant is classified as a variant of uncertain significance.

Labcorp Genetics (formerly Invitae), Labcorp
Classification: Uncertain significance for Alpha thalassemia-X-linked intellectual disability syndrome. Last evaluated: 2025-02-10. Review status: criteria provided, single submitter. Criteria: Invitae Variant Classification Sherloc (09022015). Collection method: clinical testing. Allele origin: germline.
Comment: This sequence change replaces glutamic acid, which is acidic and polar, with glycine, which is neutral and non-polar, at codon 886 of the ATRX protein (p.Glu886Gly). This variant is not present in population databases (gnomAD no frequency). This variant has not been reported in the literature in individuals affected with ATRX-related conditions. ClinVar contains an entry for this variant (Variation ID: 836374). Invitae Evidence Modeling of protein sequence and biophysical properties (such as structural, functional, and spatial information, amino acid conservation, physicochemical variation, residue mobility, and thermodynamic stability) indicates that this missense variant is not expected to disrupt ATRX protein function with a negative predictive value of 95%. In summary, the available evidence is currently insufficient to determine the role of this variant in disease. Therefore, it has been classified as a Variant of Uncertain Significance.